The following is an entry in ClinVar:

ClinVar aggregate classification (germline): Uncertain significance (1 of 4 stars; one submission).

Submission:

GeneDx
Classification: Uncertain significance. Last evaluated: 2023-06-18. Review status: criteria provided, single submitter. Criteria: GeneDx Variant Classification Process June 2021. Collection method: clinical testing. Allele origin: germline. Affected: yes.
Comment: Not observed at significant frequency in large population cohorts (gnomAD); In silico analysis supports that this missense variant has a deleterious effect on protein structure/function; Has not been previously published as pathogenic or benign to our knowledge

NM_006618.5(KDM5B):c.1231T>C (p.Trp411Arg)

Gene: KDM5B (lysine demethylase 5B; minus strand). Cytogenetic location: 1q32.1.
Variant type: single nucleotide variant.
Coding change: c.1231T>C on transcript NM_006618.5 (MANE Select); coding-DNA position 1231, T replaced by C.
Protein change: p.Trp411Arg; replaces tryptophan 411 with arginine.
Molecular consequence: missense variant.
Genome position (GRCh38, 1-based): chr1:202,756,483, A>G on the plus strand (T>C on the coding strand, the complement: KDM5B is on the minus strand). VCF-style: chr1-202756483-A-G. GRCh37 (hg19) VCF-style: chr1-202725611-A-G.
Other names: c.1339T>C, p.Trp447Arg (NM_001314042.2); c.1096T>C, p.Trp366Arg (NM_001347591.2); c.1216T>C, p.Trp406Arg (NM_001399817.1); short protein forms W366R, W406R, W411R, W447R.
Identifiers: ClinVar variation 3360037 (VCV003360037.1).